The following is an entry in ClinVar:

NM_002617.4(PEX10):c.908G>C (p.Ser303Thr)

Gene: PEX10 (peroxisomal biogenesis factor 10; minus strand). Cytogenetic location: 1p36.32.
Variant type: single nucleotide variant.
Coding change: c.908G>C on transcript NM_002617.4 (MANE Select); coding-DNA position 908, G replaced by C.
Protein change: p.Ser303Thr; replaces serine 303 with threonine.
Molecular consequence: missense variant. On other transcripts: non-coding transcript variant (1).
Genome position (GRCh38, 1-based): chr1:2,406,488, C>G on the plus strand (G>C on the coding strand, the complement: PEX10 is on the minus strand). VCF-style: chr1-2406488-C-G. GRCh37 (hg19) VCF-style: chr1-2337927-C-G.
Other names: c.965G>C, p.Ser322Thr (NM_001374425.1); c.533G>C, p.Ser178Thr (NM_001374426.1); c.476G>C, p.Ser159Thr (NM_001374427.1); c.968G>C, p.Ser323Thr (NM_153818.2); short protein forms S322T, S159T, S178T, S303T, S323T.
Identifiers: ClinVar variation 1410888 (VCV001410888.3), dbSNP rs2100421331, ClinGen allele CA337984025.

ClinVar aggregate classification (germline): Uncertain significance (1 of 4 stars; one submission).

Conditions:
Peroxisome biogenesis disorder, complementation group 7 (CG7). Also called: Peroxisome biogenesis disorder, complementation group B. Identifiers: MedGen C1864399.

Submission:

Labcorp Genetics (formerly Invitae), Labcorp
Classification: Uncertain significance for Peroxisome biogenesis disorder, complementation group 7. Last evaluated: 2021-10-19. Review status: criteria provided, single submitter. Criteria: Invitae Variant Classification Sherloc (09022015). Collection method: clinical testing. Allele origin: germline.
Comment: This sequence change replaces serine with threonine at codon 323 of the PEX10 protein (p.Ser323Thr). The serine residue is weakly conserved and there is a small physicochemical difference between serine and threonine. This variant is not present in population databases (ExAC no frequency). This variant has not been reported in the literature in individuals with PEX10-related conditions. Algorithms developed to predict the effect of missense changes on protein structure and function output the following: SIFT: "Tolerated"; PolyPhen-2: "Benign"; Align-GVGD: "Class C0". The threonine amino acid residue is found in multiple mammalian species, suggesting that this missense change does not adversely affect protein function. These predictions have not been confirmed by published functional studies and their clinical significance is uncertain. In summary, the available evidence is currently insufficient to determine the role of this variant in disease. Therefore, it has been classified as a Variant of Uncertain Significance.